The following is an entry in ClinVar:

ClinVar aggregate classification (germline): Uncertain significance. Review status: criteria provided, multiple submitters, no conflicts (2 of 4 stars). 2 submissions from 2 submitters: Uncertain significance (2). Last evaluated 2026-05-14.

Submissions (2):

Ambry Genetics
Classification: Uncertain significance. Last evaluated: 2026-05-14. Review status: criteria provided, single submitter. Criteria: Ambry Variant Classification Scheme 2023. Collection method: clinical testing. Allele origin: germline.
Comment: The p.T258K variant (also known as c.773C>A), located in coding exon 6 of the RECQL gene, results from a C to A substitution at nucleotide position 773. The threonine at codon 258 is replaced by lysine, an amino acid with similar properties. This amino acid position is conserved. In addition, the in silico prediction for this alteration is inconclusive. Based on the available evidence, the clinical significance of this variant remains unclear.

Labcorp Genetics (formerly Invitae), Labcorp
Classification: Uncertain significance. Last evaluated: 2020-03-01. Review status: criteria provided, single submitter. Criteria: Invitae Variant Classification Sherloc (09022015). Collection method: clinical testing. Allele origin: germline.
Comment: This variant has not been reported in the literature in individuals with RECQL-related conditions. This variant is not present in population databases (ExAC no frequency). This sequence change replaces threonine with lysine at codon 258 of the RECQL protein (p.Thr258Lys). The threonine residue is highly conserved and there is a moderate physicochemical difference between threonine and lysine. Algorithms developed to predict the effect of missense changes on protein structure and function are either unavailable or do not agree on the potential impact of this missense change (SIFT: "Deleterious"; PolyPhen-2: "Probably Damaging"; Align-GVGD: "Class C15"). In summary, the available evidence is currently insufficient to determine the role of this variant in disease. Therefore, it has been classified as a Variant of Uncertain Significance.

NM_002907.4(RECQL):c.773C>A (p.Thr258Lys)

Gene: RECQL (RecQ like helicase; minus strand). Cytogenetic location: 12p12.1.
Variant type: single nucleotide variant.
Coding change: c.773C>A on transcript NM_002907.4 (MANE Select); coding-DNA position 773, C replaced by A.
Protein change: p.Thr258Lys; replaces threonine 258 with lysine.
Molecular consequence: missense variant.
Genome position (GRCh38, 1-based): chr12:21,477,897, G>T on the plus strand (C>A on the coding strand, the complement: RECQL is on the minus strand). VCF-style: chr12-21477897-G-T. GRCh37 (hg19) VCF-style: chr12-21630831-G-T.
Other names: c.773C>A (NM_002907.3); c.773C>A, p.Thr258Lys (NM_032941.3); short protein forms T258K.
Identifiers: ClinVar variation 1038243 (VCV001038243.9), dbSNP rs1943116467, ClinGen allele CA384124673.